The following is an entry in ClinVar:

NM_000141.5(FGFR2):c.1548G>A (p.Val516=)

Gene: FGFR2 (fibroblast growth factor receptor 2; minus strand). Cytogenetic location: 10q26.13.
Variant type: single nucleotide variant.
Coding change: c.1548G>A on transcript NM_000141.5 (MANE Select); coding-DNA position 1548, G replaced by A.
Protein change: p.Val516=; no amino-acid change (valine 516 retained).
Molecular consequence: synonymous variant. On other transcripts: non-coding transcript variant (1).
Genome position (GRCh38, 1-based): chr10:121,500,839, C>T on the plus strand (G>A on the coding strand, the complement: FGFR2 is on the minus strand). VCF-style: chr10-121500839-C-T. GRCh37 (hg19) VCF-style: chr10-123260353-C-T.
Other names: c.1551G>A, p.Val517= (NM_001144913.1, NM_022970.4); c.1212G>A, p.Val404= (NM_001144914.1); c.1281G>A, p.Val427= (NM_001144915.2, NM_023029.3); c.1203G>A, p.Val401= (NM_001144916.2); c.1200G>A, p.Val400= (NM_001144917.2); c.1197G>A, p.Val399= (NM_001144918.2); c.1284G>A, p.Val428= (NM_001144919.2); c.864G>A, p.Val288= (NM_001320654.2); and 1 more.
Identifiers: ClinVar variation 299001 (VCV000299001.20), dbSNP rs200522893, ClinGen allele CA5720718.

ClinVar aggregate classification (germline): Benign/Likely benign. Review status: criteria provided, multiple submitters, no conflicts (2 of 4 stars). 9 submissions from 5 submitters: Benign (7); Likely benign (2). Last evaluated 2026-05-12.

Conditions:
Beare-Stevenson cutis gyrata syndrome (BSTVS). Identifiers: Orphanet 1555, MedGen C1852406, MONDO:0007412, OMIM 123790.
FGFR2-related craniosynostosis. Identifiers: MedGen CN231480.
Isolated Coronal Synostosis. Identifiers: MedGen CN043619.
Crouzon syndrome. Also called: CRANIOFACIAL DYSOSTOSIS, TYPE I; Craniofacial dysostosis; Craniofacial dysostosis type 1; Crouzon craniofacial dysostosis; Crouzon disease. Identifiers: Orphanet 207, MedGen C0010273, MeSH D003394, MONDO:0007405, OMIM 123500, HP:0004439.
Craniosynostosis syndrome. Also called: Craniosynostosis. Identifiers: Orphanet 1531, MedGen C0010278, MeSH D003398, MONDO:0015469, HP:0001363.
Saethre-Chotzen syndrome (SCS). Also called: ACROCEPHALY, SKULL ASYMMETRY, AND MILD SYNDACTYLY; ACS III; CHOTZEN SYNDROME. Identifiers: Orphanet 794, MedGen C0175699, MONDO:0007042, OMIM 101400.

Allele frequency attached by ClinVar (database versions not stated): gnomAD 0.00006 and 0.00067; TOPMed 0.00016; ExAC 0.00280; 1000 Genomes Project 30x 0.00468; 1000 Genomes Project 0.00479.
gnomAD v4.1: 1,866 of 1,614,038 alleles (0.12%); highest among the groups gnomAD compares: South Asian, 1.9%; 35 homozygotes.

Submissions (9):

Women's Health and Genetics/Laboratory Corporation of America, LabCorp
Classification: Benign. Last evaluated: 2026-05-12. Review status: criteria provided, single submitter. Criteria: LabCorp Variant Classification Summary - May 2015. Collection method: clinical testing. Allele origin: germline.

Labcorp Genetics (formerly Invitae), Labcorp
Classification: Benign for FGFR2-related craniosynostosis. Last evaluated: 2025-12-01. Review status: criteria provided, single submitter. Criteria: Invitae Variant Classification Sherloc (09022015). Collection method: clinical testing. Allele origin: germline.

GeneDx
Classification: Benign. Last evaluated: 2019-04-25. Review status: criteria provided, single submitter. Criteria: GeneDx Variant Classification Process June 2021. Collection method: clinical testing. Allele origin: germline. Affected: yes.

Illumina Laboratory Services, Illumina
Classification: Benign for Saethre-Chotzen syndrome. Last evaluated: 2018-01-13. Review status: criteria provided, single submitter. Criteria: ICSL Variant Classification Criteria 13 December 2019. Collection method: clinical testing. Allele origin: germline.
Comment: This variant was observed in the ICSL laboratory as part of a predisposition screen in an ostensibly healthy population. It had not been previously curated by ICSL or reported in the Human Gene Mutation Database (HGMD: prior to June 1st, 2018), and was therefore a candidate for classification through an automated scoring system. Utilizing variant allele frequency, disease prevalence and penetrance estimates, and inheritance mode, an automated score was calculated to assess if this variant is too frequent to cause the disease. Based on the score and internal cut-off values, a variant classified as benign is not then subjected to further curation. The score for this variant resulted in a classification of benign for this disease.

Illumina Laboratory Services, Illumina
Classification: Likely benign for Isolated coronal synostosis. Last evaluated: 2018-01-13. Review status: criteria provided, single submitter. Criteria: ICSL Variant Classification Criteria 13 December 2019. Collection method: clinical testing. Allele origin: germline.
Comment: This variant was observed in the ICSL laboratory as part of a predisposition screen in an ostensibly healthy population. It had not been previously curated by ICSL or reported in the Human Gene Mutation Database (HGMD: prior to June 1st, 2018), and was therefore a candidate for classification through an automated scoring system. Utilizing variant allele frequency, disease prevalence and penetrance estimates, and inheritance mode, an automated score was calculated to assess if this variant is too frequent to cause the disease. Based on the score and internal cut-off values, a variant classified as likely benign is not then subjected to further curation. The score for this variant resulted in a classification of likely benign for this disease.

Illumina Laboratory Services, Illumina
Classification: Benign for Crouzon syndrome. Last evaluated: 2018-01-13. Review status: criteria provided, single submitter. Criteria: ICSL Variant Classification Criteria 13 December 2019. Collection method: clinical testing. Allele origin: germline.
Comment: the same text as in the submission from Illumina Laboratory Services, Illumina above.

Illumina Laboratory Services, Illumina
Classification: Benign for Craniosynostosis. Last evaluated: 2018-01-13. Review status: criteria provided, single submitter. Criteria: ICSL Variant Classification Criteria 13 December 2019. Collection method: clinical testing. Allele origin: germline.
Comment: the same text as in the submission from Illumina Laboratory Services, Illumina above.

Illumina Laboratory Services, Illumina
Classification: Benign for Beare-Stevenson cutis gyrata syndrome. Last evaluated: 2018-01-13. Review status: criteria provided, single submitter. Criteria: ICSL Variant Classification Criteria 13 December 2019. Collection method: clinical testing. Allele origin: germline.
Comment: the same text as in the submission from Illumina Laboratory Services, Illumina above.

Breakthrough Genomics
Classification: Likely benign. Review status: criteria provided, single submitter. Criteria: ACMG Guidelines, 2015. Collection method: not provided. Allele origin: germline. Inheritance: Autosomal dominant inheritance. Affected: yes.